The following is an entry in ClinVar:

ClinVar aggregate classification (germline): Likely benign. Review status: criteria provided, multiple submitters, no conflicts (2 of 4 stars). 3 submissions from 3 submitters: Likely benign (2). 1 of the submissions does not count toward it. Last evaluated 2025-07-01.

Conditions:
IGSF10-related disorder. Also called: IGSF10-related condition.

Allele frequency attached by ClinVar (database versions not stated): gnomAD exomes 0.00003; ExAC 0.00004; ESP Exome Variant Server 0.00015; gnomAD 0.00032; TOPMed 0.00038.
gnomAD v4.1: 88 of 1,614,116 alleles (0.0055%); highest among the groups gnomAD compares: African/African-American, 0.11%; no homozygotes.

Submissions (3):

CeGaT Center for Human Genetics Tuebingen
Classification: Likely benign. Last evaluated: 2025-07-01. Review status: criteria provided, single submitter. Criteria: CeGaT Center For Human Genetics Tuebingen Variant Classification Criteria Version 2. Collection method: clinical testing. Allele origin: germline. Affected: yes. Observed: 1 variant allele.
Comment: IGSF10: BP4, BP7

Labcorp Genetics (formerly Invitae), Labcorp
Classification: Likely benign. Last evaluated: 2024-02-06. Review status: criteria provided, single submitter. Criteria: Invitae Variant Classification Sherloc (09022015). Collection method: clinical testing. Allele origin: germline.

PreventionGenetics, part of Exact Sciences
Classification: Likely benign for IGSF10-related condition. Last evaluated: 2019-04-09. Review status: no assertion criteria provided. Collection method: clinical testing. Allele origin: germline. Not counted in ClinVar's aggregate classification.
Comment: This variant is classified as likely benign based on ACMG/AMP sequence variant interpretation guidelines (Richards et al. 2015 PMID: 25741868, with internal and published modifications).

NM_178822.5(IGSF10):c.2275C>T (p.Leu759=)

Gene: IGSF10 (immunoglobulin superfamily member 10; minus strand). Cytogenetic location: 3q25.1.
Variant type: single nucleotide variant.
Coding change: c.2275C>T on transcript NM_178822.5 (MANE Select); coding-DNA position 2275, C replaced by T.
Protein change: p.Leu759=; no amino-acid change (leucine 759 retained).
Molecular consequence: synonymous variant.
Genome position (GRCh38, 1-based): chr3:151,447,706, G>A on the plus strand (C>T on the coding strand, the complement: IGSF10 is on the minus strand). VCF-style: chr3-151447706-G-A. GRCh37 (hg19) VCF-style: chr3-151165494-G-A.
Other names: c.2275C>T, p.Leu759= (NM_001385060.1, NM_001385061.1, NM_001385062.1 and 1 more transcripts).
Identifiers: ClinVar variation 3057380 (VCV003057380.12), dbSNP rs141599290, ClinGen allele CA2670375.